The following is an entry in ClinVar:

NM_001330260.2(SCN8A):c.4911dup (p.Arg1638fs)

Gene: SCN8A (sodium voltage-gated channel alpha subunit 8; plus strand). Cytogenetic location: 12q13.13.
Variant type: Duplication.
Coding change: c.4911dup on transcript NM_001330260.2 (MANE Select); coding-DNA position 4911, one base duplicated (T; older notation c.4911dupT).
Protein change: p.Arg1638fs; shifts the reading frame from arginine 1638.
Molecular consequence: frameshift variant.
Genome position (GRCh38, 1-based): chr12:51,806,397, T duplicated; the last of 2 consecutive T bases (chr12:51,806,396-51,806,397); duplicating either gives the same sequence. VCF-style (leftmost placement, unchanged base first): chr12-51806395-A-AT. GRCh37 (hg19) VCF-style: chr12-52200179-A-AT.
Other names: c.4788dup, p.Arg1597fs (NM_001177984.3, NM_001369788.1); c.4911dup, p.Arg1638fs (NM_014191.4); short protein forms R1597fs, R1638fs.
Identifiers: ClinVar variation 4850191 (VCV004850191.1).

ClinVar aggregate classification (germline): Likely pathogenic (1 of 4 stars; one submission).

Conditions:
Cognitive impairment with or without cerebellar ataxia (CIAT). Identifiers: MedGen C3280415, MONDO:0013680, OMIM 614306.

Submission:

Variantyx, Inc.
Classification: Likely pathogenic for Cognitive impairment with or without cerebellar ataxia. Last evaluated: 2025-05-12. Review status: criteria provided, single submitter. Criteria: Variantyx Assertion Criteria 2022. Collection method: clinical testing. Allele origin: de novo. Inheritance: Autosomal dominant inheritance. Affected: yes.
Comment: This is a frameshift variant in the SCN8A gene (OMIM: 600702). Pathogenic variants in this gene have been associated with autosomal dominant cognitive impairment with or without cerebellar ataxia. The alteration introduces a premature termination codon in exon 27 out of 27 and is expected to disrupt the C-terminal region of the protein. While loss of function is a known disease mechanism for SCN8A in this disorder (PMID: 39556335, 32651551), the functional consequence of this variant cannot be predicted with confidence (PVS1_Strong). This variant is absent from control populations (PM2) and it has not been reported in individuals with SCN8A-related disorders in the databases available for review. Based on the current evidence, this variant is classified as likely pathogenic for autosomal dominant cognitive impairment with or without cerebellar ataxia.

Literature cited by the submitters: PubMed 39556335; PubMed 32651551.